The following is an entry in ClinVar:

ClinVar aggregate classification (germline): Uncertain significance (0 of 4 stars; one submission).

Conditions:
KAT2B-related disorder. Also called: KAT2B-related condition.

Allele frequency attached by ClinVar (database versions not stated): TOPMed below 0.00001; gnomAD 0.00001.

Submission:

PreventionGenetics, part of Exact Sciences
Classification: Uncertain significance for KAT2B-related condition. Last evaluated: 2023-12-19. Review status: no assertion criteria provided. Collection method: clinical testing. Allele origin: germline.
Comment: The KAT2B c.1397C>T variant is predicted to result in the amino acid substitution p.Ala466Val. To our knowledge, this variant has not been reported in the literature or in a large population database, indicating this variant is rare. At this time, the clinical significance of this variant is uncertain due to the absence of conclusive functional and genetic evidence.

NM_003884.5(KAT2B):c.1397C>T (p.Ala466Val)

Gene: KAT2B (lysine acetyltransferase 2B; plus strand). Cytogenetic location: 3p24.3.
Variant type: single nucleotide variant.
Coding change: c.1397C>T on transcript NM_003884.5 (MANE Select); coding-DNA position 1397, C replaced by T.
Protein change: p.Ala466Val; replaces alanine 466 with valine.
Molecular consequence: missense variant.
Genome position (GRCh38, 1-based): chr3:20,122,788, C>T. VCF-style: chr3-20122788-C-T. GRCh37 (hg19) VCF-style: chr3-20164280-C-T.
Other names: short protein forms A466V.
Identifiers: ClinVar variation 3031453 (VCV003031453.2), dbSNP rs1003611326, ClinGen allele CA70767026.